The following is an entry in ClinVar:

NM_001348716.2(KDM6B):c.4654G>C (p.Glu1552Gln)

Gene: KDM6B (lysine demethylase 6B; plus strand). Cytogenetic location: 17p13.1.
Variant type: single nucleotide variant.
Coding change: c.4654G>C on transcript NM_001348716.2 (MANE Select); coding-DNA position 4654, G replaced by C.
Protein change: p.Glu1552Gln; replaces glutamic acid 1552 with glutamine.
Molecular consequence: missense variant.
Genome position (GRCh38, 1-based): chr17:7,853,043, G>C. VCF-style: chr17-7853043-G-C. GRCh37 (hg19) VCF-style: chr17-7756361-G-C.
Other names: c.4654G>C, p.Glu1552Gln (NM_001080424.2); short protein forms E1552Q.
Identifiers: ClinVar variation 3572826 (VCV003572826.1).

ClinVar aggregate classification (germline): Uncertain significance (1 of 4 stars; one submission).

Submission:

GeneDx
Classification: Uncertain significance. Last evaluated: 2024-07-12. Review status: criteria provided, single submitter. Criteria: GeneDx Variant Classification Process June 2021. Collection method: clinical testing. Allele origin: germline. Affected: yes.
Comment: Not observed at significant frequency in large population cohorts (gnomAD); In silico analysis indicates that this missense variant does not alter protein structure/function; Has not been previously published as pathogenic or benign to our knowledge